The following is an entry in ClinVar:

ClinVar aggregate classification (germline): Uncertain significance (1 of 4 stars; one submission).

Conditions:
PLXNA3-related disorder. Also called: PLXNA3-related condition.

gnomAD v4.1: 4 of 1,208,873 alleles (0.00033%); highest among the groups gnomAD compares: Non-Finnish European, 0.00045%; no homozygotes.

Submission:

PreventionGenetics, part of Exact Sciences
Classification: Uncertain significance for PLXNA3-related condition. Last evaluated: 2024-10-09. Review status: criteria provided, single submitter. Criteria: ACMG Guidelines, 2015. Collection method: clinical testing. Allele origin: germline.
Comment: The PLXNA3 c.3181C>T variant is predicted to result in the amino acid substitution p.Arg1061Cys. To our knowledge, this variant has not been reported in the literature or in a large population database (gnomAD), indicating this variant is rare. At this time, the clinical significance of this variant is uncertain due to the absence of conclusive functional and genetic evidence.

NM_017514.5(PLXNA3):c.3181C>T (p.Arg1061Cys)

Gene: PLXNA3 (plexin A3; plus strand). Cytogenetic location: Xq28.
Variant type: single nucleotide variant.
Coding change: c.3181C>T on transcript NM_017514.5 (MANE Select); coding-DNA position 3181, C replaced by T.
Protein change: p.Arg1061Cys; replaces arginine 1061 with cysteine.
Molecular consequence: missense variant.
Genome position (GRCh38, 1-based): chrX:154,467,130, C>T. VCF-style: chrX-154467130-C-T. GRCh37 (hg19) VCF-style: chrX-153695473-C-T.
Other names: short protein forms R1061C.
Identifiers: ClinVar variation 5001146 (VCV005001146.1).